The following is an entry in ClinVar:

NM_002439.5(MSH3):c.1013C>T (p.Thr338Ile)

Genes: MSH3 (mutS homolog 3; plus strand), LOC126807437 (MED14-independent group 3 enhancer GRCh37_chr5:79968379-79969578; plus strand). Cytogenetic location: 5q14.1.
Variant type: single nucleotide variant.
Coding change: c.1013C>T on transcript NM_002439.5 (MANE Select); coding-DNA position 1013, C replaced by T.
Protein change: p.Thr338Ile; replaces threonine 338 with isoleucine.
Molecular consequence: missense variant.
Genome position (GRCh38, 1-based): chr5:80,672,844, C>T. VCF-style: chr5-80672844-C-T. GRCh37 (hg19) VCF-style: chr5-79968663-C-T.
Other names: short protein forms T338I.
Identifiers: ClinVar variation 1736426 (VCV001736426.5), dbSNP rs2546722991, ClinGen allele CA360267535.

ClinVar aggregate classification (germline): Uncertain significance. Review status: criteria provided, multiple submitters, no conflicts (2 of 4 stars). 2 submissions from 2 submitters: Uncertain significance (2). Last evaluated 2023-12-18.

Conditions:
Hereditary cancer-predisposing syndrome. Also called: Neoplastic Syndromes, Hereditary; Tumor predisposition; Hereditary Cancer Syndrome; Hereditary neoplastic syndrome. Identifiers: Orphanet 140162, MedGen C0027672, MeSH D009386, MONDO:0015356.

Submissions (2):

Labcorp Genetics (formerly Invitae), Labcorp
Classification: Uncertain significance. Last evaluated: 2023-12-18. Review status: criteria provided, single submitter. Criteria: Invitae Variant Classification Sherloc (09022015). Collection method: clinical testing. Allele origin: germline.
Comment: This sequence change replaces threonine, which is neutral and polar, with isoleucine, which is neutral and non-polar, at codon 338 of the MSH3 protein (p.Thr338Ile). This variant is not present in population databases (gnomAD no frequency). This variant has not been reported in the literature in individuals affected with MSH3-related conditions. ClinVar contains an entry for this variant (Variation ID: 1736426). An algorithm developed to predict the effect of missense changes on protein structure and function (PolyPhen-2) suggests that this variant is likely to be disruptive. In summary, the available evidence is currently insufficient to determine the role of this variant in disease. Therefore, it has been classified as a Variant of Uncertain Significance.

Ambry Genetics
Classification: Uncertain significance for Hereditary cancer-predisposing syndrome. Last evaluated: 2022-03-25. Review status: criteria provided, single submitter. Criteria: Ambry Variant Classification Scheme 2023. Collection method: clinical testing. Allele origin: germline.
Comment: The p.T338I variant (also known as c.1013C>T), located in coding exon 6 of the MSH3 gene, results from a C to T substitution at nucleotide position 1013. The threonine at codon 338 is replaced by isoleucine, an amino acid with similar properties. This amino acid position is conserved. In addition, this alteration is predicted to be deleterious by in silico analysis. Since supporting evidence is limited at this time, the clinical significance of this alteration remains unclear.